The following is an entry in ClinVar:

NM_017636.4(TRPM4):c.1747T>G (p.Ser583Ala)

Gene: TRPM4 (transient receptor potential cation channel subfamily M member 4; plus strand). Cytogenetic location: 19q13.33.
Variant type: single nucleotide variant.
Coding change: c.1747T>G on transcript NM_017636.4 (MANE Select); coding-DNA position 1747, T replaced by G.
Protein change: p.Ser583Ala; replaces serine 583 with alanine.
Molecular consequence: missense variant.
Genome position (GRCh38, 1-based): chr19:49,188,644, T>G. VCF-style: chr19-49188644-T-G. GRCh37 (hg19) VCF-style: chr19-49691901-T-G.
Other names: c.685T>G, p.Ser229Ala (NM_001321285.2); c.1747T>G, p.Ser583Ala (NM_001195227.2); c.1402T>G, p.Ser468Ala (NM_001321281.2); c.139T>G, p.Ser47Ala (NM_001321282.2); c.1225T>G, p.Ser409Ala (NM_001321283.2); short protein forms S229A, S409A, S468A, S47A, S583A.
Identifiers: ClinVar variation 2236055 (VCV002236055.5), dbSNP rs2514140965, ClinGen allele CA406802650.

ClinVar aggregate classification (germline): Uncertain significance. Review status: criteria provided, multiple submitters, no conflicts (2 of 4 stars). 2 submissions from 2 submitters: Uncertain significance (2). Last evaluated 2024-09-08.

Conditions:
Cardiovascular phenotype. Identifiers: MedGen CN230736.
Progressive familial heart block type IB (PFHB1B). Identifiers: Orphanet 871, MedGen C1970298, MONDO:0011474, OMIM 604559.

Submissions (2):

Ambry Genetics
Classification: Uncertain significance for Cardiovascular phenotype. Last evaluated: 2024-09-08. Review status: criteria provided, single submitter. Criteria: Ambry Variant Classification Scheme 2023. Collection method: clinical testing. Allele origin: germline.
Comment: The p.S583A variant (also known as c.1747T>G), located in coding exon 13 of the TRPM4 gene, results from a T to G substitution at nucleotide position 1747. The serine at codon 583 is replaced by alanine, an amino acid with similar properties. This amino acid position is conserved. In addition, this alteration is predicted to be tolerated by in silico analysis. Based on the available evidence, the clinical significance of this variant remains unclear.

Labcorp Genetics (formerly Invitae), Labcorp
Classification: Uncertain significance for Progressive familial heart block type IB. Last evaluated: 2024-02-09. Review status: criteria provided, single submitter. Criteria: Invitae Variant Classification Sherloc (09022015). Collection method: clinical testing. Allele origin: germline.
Comment: This sequence change replaces serine, which is neutral and polar, with alanine, which is neutral and non-polar, at codon 583 of the TRPM4 protein (p.Ser583Ala). This variant is not present in population databases (gnomAD no frequency). This variant has not been reported in the literature in individuals affected with TRPM4-related conditions. ClinVar contains an entry for this variant (Variation ID: 2236055). An algorithm developed to predict the effect of missense changes on protein structure and function (PolyPhen-2) suggests that this variant is likely to be tolerated. In summary, the available evidence is currently insufficient to determine the role of this variant in disease. Therefore, it has been classified as a Variant of Uncertain Significance.